The following is an entry in ClinVar:

NM_005228.5(EGFR):c.2061+5G>T

Gene: EGFR (epidermal growth factor receptor; plus strand). Cytogenetic location: 7p11.2.
Variant type: single nucleotide variant.
Coding change: c.2061+5G>T on transcript NM_005228.5 (MANE Select); 5 bases into the intron after coding-DNA position 2061, G replaced by T.
Molecular consequence: intron variant.
Genome position (GRCh38, 1-based): chr7:55,173,129, G>T. VCF-style: chr7-55173129-G-T. GRCh37 (hg19) VCF-style: chr7-55240822-G-T.
Other names: c.1926+5G>T (NM_001346899.2, NM_001346897.2); c.1260+5G>T (NM_001346941.2); c.2061+5G>T (NM_001346898.2, NM_005228.3); c.1902+5G>T (NM_001346900.2).
Identifiers: ClinVar variation 2123115 (VCV002123115.5), dbSNP rs1237627217, ClinGen allele CA574695861.
Genomic context (GRCh38, chr7:55,173,129, plus strand): 5'-GAAGGCGCCACATCGTTCGGAAGCGCACGCTGCGGAGGCTGCTGCAGGAGAGGGAGGTGA[G>T]TGCCAGTCCTGGGTGGGCTCAGGAGCCCTCGCACCCCGACAGGAACAAGGGCCAGCCCCG-3'

ClinVar aggregate classification (germline): Uncertain significance. Review status: criteria provided, multiple submitters, no conflicts (2 of 4 stars). 2 submissions from 2 submitters: Uncertain significance (2). Last evaluated 2026-04-07.

Conditions:
EGFR-related lung cancer (EGFR). Identifiers: MedGen CN130014.
Hereditary cancer-predisposing syndrome. Also called: Tumor predisposition; Hereditary Cancer Syndrome; Hereditary neoplastic syndrome; Neoplastic Syndromes, Hereditary. Identifiers: Orphanet 140162, MedGen C0027672, MeSH D009386, MONDO:0015356.

Allele frequency attached by ClinVar (database versions not stated): gnomAD exomes below 0.00001.
gnomAD v4.1: 4 of 1,609,262 alleles (0.00025%); highest among the groups gnomAD compares: Middle Eastern, 0.034%; 1 homozygote.

Submissions (2):

Ambry Genetics
Classification: Uncertain significance for Hereditary cancer-predisposing syndrome. Last evaluated: 2026-04-07. Review status: criteria provided, single submitter. Criteria: Ambry Variant Classification Scheme 2023. Collection method: clinical testing. Allele origin: germline.
Comment: The c.2061+5G>T intronic variant results from a G to T substitution 5 nucleotides after coding exon 17 in the EGFR gene. This nucleotide position is well conserved in available vertebrate species. In silico splice site analysis predicts that this alteration will not have any significant effect on splicing. Based on the available evidence, the clinical significance of this variant remains unclear.

Labcorp Genetics (formerly Invitae), Labcorp
Classification: Uncertain significance for EGFR-related lung cancer. Last evaluated: 2022-04-13. Review status: criteria provided, single submitter. Criteria: Invitae Variant Classification Sherloc (09022015). Collection method: clinical testing. Allele origin: germline.
Comment: This sequence change falls in intron 17 of the EGFR gene. It does not directly change the encoded amino acid sequence of the EGFR protein. It affects a nucleotide within the consensus splice site. The frequency data for this variant in the population databases is considered unreliable, as metrics indicate poor data quality at this position in the gnomAD database. This variant has not been reported in the literature in individuals affected with EGFR-related conditions. Variants that disrupt the consensus splice site are a relatively common cause of aberrant splicing (PMID: 17576681, 9536098). Algorithms developed to predict the effect of sequence changes on RNA splicing suggest that this variant may create or strengthen a splice site. In summary, the available evidence is currently insufficient to determine the role of this variant in disease. Therefore, it has been classified as a Variant of Uncertain Significance.

Literature cited by the submitters: PubMed 17576681 (cited by Labcorp Genetics (formerly Invitae), Labcorp); PubMed 9536098 (cited by Labcorp Genetics (formerly Invitae), Labcorp).